The following is an entry in ClinVar:

NM_006267.5(RANBP2):c.6576_6577insCCT (p.Thr2192_Glu2193insPro)

Gene: RANBP2 (RAN binding protein 2; plus strand). Cytogenetic location: 2q13.
Variant type: Insertion.
Coding change: c.6576_6577insCCT on transcript NM_006267.5 (MANE Select); coding-DNA positions 6576 to 6577, CCT inserted.
Protein change: p.Thr2192_Glu2193insPro.
Molecular consequence: inframe insertion.
Genome position: GRCh38 VCF-style: chr2-108767113-A-ACTC. GRCh37 (hg19) VCF-style: chr2-109383569-A-ACTC.
Identifiers: ClinVar variation 1004407 (VCV001004407.8), dbSNP rs768869504, ClinGen allele CA1823449.

ClinVar aggregate classification (germline): Uncertain significance (1 of 4 stars; one submission).

Conditions:
Familial acute necrotizing encephalopathy (IIAE3). Also called: ENCEPHALOPATHY, ACUTE, INFECTION-INDUCED, SUSCEPTIBILITY TO, 3; Susceptibility to Acute Necrotizing Encephalopathy 1. Identifiers: Orphanet 88619, MedGen C2675556, MONDO:0011953, OMIM 608033.

Submission:

Labcorp Genetics (formerly Invitae), Labcorp
Classification: Uncertain significance for Familial acute necrotizing encephalopathy. Last evaluated: 2020-05-04. Review status: criteria provided, single submitter. Criteria: Invitae Variant Classification Sherloc (09022015). Collection method: clinical testing. Allele origin: germline.
Comment: This variant, c.6576_6577insCCT, results in the insertion of 1 amino acid(s) to the RANBP2 protein (p.Thr2192_Glu2193insPro), but otherwise preserves the integrity of the reading frame. This variant is present in population databases (rs768869504, ExAC 0.01%). This variant has not been reported in the literature in individuals with RANBP2-related conditions. Experimental studies and prediction algorithms are not available or were not evaluated, and the functional significance of this variant is currently unknown. In summary, the available evidence is currently insufficient to determine the role of this variant in disease. Therefore, it has been classified as a Variant of Uncertain Significance.